The following is an entry in ClinVar:

ClinVar aggregate classification (germline): Likely benign. Review status: criteria provided, multiple submitters, no conflicts (2 of 4 stars). 2 submissions from 2 submitters: Likely benign (2). Last evaluated 2026-03-12.

Conditions:
SMPD1-related disorder. Also called: SMPD1-related condition.
Niemann-Pick disease, type B. Also called: Chronic Visceral ASMD (Niemann-Pick Disease Type B; NPD-B). Identifiers: Orphanet 77293, MedGen C0268243, MONDO:0011871, OMIM 607616. Disease mechanism: loss of function.
Niemann-Pick disease, type A. Also called: Infantile Neurovisceral ASMD (Niemann-Pick Disease Type A; NPD-A); SPHINGOMYELIN LIPIDOSIS; SPHINGOMYELINASE DEFICIENCY. Identifiers: Orphanet 77292, MedGen C0268242, MONDO:0009756, OMIM 257200. Disease mechanism: loss of function.

Allele frequency attached by ClinVar (database versions not stated): TOPMed below 0.00001; gnomAD exomes 0.00001.

Submissions (2):

PreventionGenetics, part of Exact Sciences
Classification: Likely benign for SMPD1-related condition. Last evaluated: 2026-03-12. Review status: criteria provided, single submitter. Criteria: ACMG Guidelines, 2015. Collection method: clinical testing. Allele origin: germline.
Comment: This variant is classified as likely benign based on ACMG/AMP sequence variant interpretation guidelines (Richards et al. 2015 PMID: 25741868, with internal and published modifications).

Labcorp Genetics (formerly Invitae), Labcorp
Classification: Likely benign for Niemann-Pick disease, type B; Niemann-Pick disease, type A. Last evaluated: 2026-01-20. Review status: criteria provided, single submitter. Criteria: Invitae Variant Classification Sherloc (09022015). Collection method: clinical testing. Allele origin: germline.

NM_000543.5(SMPD1):c.576C>T (p.Ser192=)

Gene: SMPD1 (sphingomyelin phosphodiesterase 1; plus strand). Cytogenetic location: 11p15.4.
Variant type: single nucleotide variant.
Coding change: c.576C>T on transcript NM_000543.5 (MANE Select); coding-DNA position 576, C replaced by T.
Protein change: p.Ser192=; no amino-acid change (serine 192 retained).
Molecular consequence: synonymous variant. On other transcripts: 5 prime UTR variant (1), non-coding transcript variant (1).
Genome position (GRCh38, 1-based): chr11:6,391,641, C>T. VCF-style: chr11-6391641-C-T. GRCh37 (hg19) VCF-style: chr11-6412871-C-T.
Other names: c.576C>T (NM_000543.4); c.573C>T, p.Ser191= (NM_001007593.3); c.576C>T, p.Ser192= (NM_001318087.2, NM_001365135.2); c.-386C>T (NM_001318088.2).
Identifiers: ClinVar variation 1123666 (VCV001123666.10), dbSNP rs1448298550, ClinGen allele CA472909595.